The following is an entry in ClinVar:

ClinVar aggregate classification (germline): Uncertain significance (1 of 4 stars; one submission).

gnomAD v4.1: 4 of 1,607,916 alleles (0.00025%); highest among the groups gnomAD compares: South Asian, 0.0034%; no homozygotes.

Submission:

Women's Health and Genetics/Laboratory Corporation of America, LabCorp
Classification: Uncertain significance. Last evaluated: 2025-05-05. Review status: criteria provided, single submitter. Criteria: LabCorp Variant Classification Summary - May 2015. Collection method: clinical testing. Allele origin: germline.
Comment: Variant summary: STAG1 c.1809C>G (p.Ile603Met) results in a conservative amino acid change in the encoded protein sequence. Algorithms developed to predict the effect of missense changes on protein structure and function are either unavailable or do not agree on the potential impact of this missense change. The frequency data for this variant in gnomAD is considered unreliable, as metrics indicate poor data quality at this position. To our knowledge, no occurrence of c.1809C>G in individuals affected with Intellectual developmental disorder, Autosomal Dominant 47 and no experimental evidence demonstrating its impact on protein function have been reported. No submitters have cited clinical-significance assessments for this variant to ClinVar. Based on the evidence outlined above, the variant was classified as uncertain significance.

NM_005862.3(STAG1):c.1809C>G (p.Ile603Met)

Gene: STAG1 (STAG1 cohesin complex component; minus strand). Cytogenetic location: 3q22.3.
Variant type: single nucleotide variant.
Coding change: c.1809C>G on transcript NM_005862.3 (MANE Select); coding-DNA position 1809, C replaced by G.
Protein change: p.Ile603Met; replaces isoleucine 603 with methionine.
Molecular consequence: missense variant.
Genome position (GRCh38, 1-based): chr3:136,422,792, G>C on the plus strand (C>G on the coding strand, the complement: STAG1 is on the minus strand). VCF-style: chr3-136422792-G-C. GRCh37 (hg19) VCF-style: chr3-136141634-G-C.
Other names: short protein forms I603M.
Identifiers: ClinVar variation 3902528 (VCV003902528.1).